The following is an entry in ClinVar:

NM_001012614.2(CTBP1):c.-189+6G>A

Genes: CTBP1 (C-terminal binding protein 1; minus strand), LOC129991984 (ATAC-STARR-seq lymphoblastoid silent region 15125; plus strand). Cytogenetic location: 4p16.3.
Variant type: single nucleotide variant.
Coding change: c.-189+6G>A on transcript NM_001012614.2 (MANE Select); 6 bases into the intron after 189 bases upstream of the start codon, G replaced by A.
Molecular consequence: intron variant.
Genome position (GRCh38, 1-based): chr4:1,248,910, C>T on the plus strand (G>A on the coding strand, the complement: CTBP1 is on the minus strand). VCF-style: chr4-1248910-C-T. GRCh37 (hg19) VCF-style: chr4-1242698-C-T.
Other names: c.-189+1250G>A (NM_001377192.1, NM_001377189.1); c.-189+739G>A (NM_001377193.1, NM_001377190.1); c.40+6G>A (NM_001328.3, NM_001377186.1); c.-189+6G>A (NM_001377187.1).
Identifiers: ClinVar variation 1944136 (VCV001944136.5), dbSNP rs2535269339, ClinGen allele CA2578016076.

ClinVar aggregate classification (germline): Uncertain significance (1 of 4 stars; one submission).

gnomAD v4.1: 1 of 988,976 alleles (0.0001%); highest among the groups gnomAD compares: Non-Finnish European, 0.00012%; no homozygotes.

Submission:

Labcorp Genetics (formerly Invitae), Labcorp
Classification: Uncertain significance. Last evaluated: 2022-07-17. Review status: criteria provided, single submitter. Criteria: Invitae Variant Classification Sherloc (09022015). Collection method: clinical testing. Allele origin: germline.
Comment: In summary, the available evidence is currently insufficient to determine the role of this variant in disease. Therefore, it has been classified as a Variant of Uncertain Significance. This sequence change falls in intron 1 of the CTBP1 gene. It does not directly change the encoded amino acid sequence of the CTBP1 protein. It affects a nucleotide within the consensus splice site. The frequency data for this variant in the population databases is considered unreliable, as metrics indicate insufficient coverage at this position in the gnomAD database. This variant has not been reported in the literature in individuals affected with CTBP1-related conditions. Variants that disrupt the consensus splice site are a relatively common cause of aberrant splicing (PMID: 17576681, 9536098). Algorithms developed to predict the effect of sequence changes on RNA splicing suggest that this variant is not likely to affect RNA splicing.

Literature cited by the submitters: PubMed 17576681; PubMed 9536098.